The following is an entry in ClinVar:

ClinVar aggregate classification (germline): Uncertain significance. Review status: criteria provided, multiple submitters, no conflicts (2 of 4 stars). 3 submissions from 3 submitters: Uncertain significance (3). Last evaluated 2024-10-18.

Conditions:
Primary ciliary dyskinesia 33. Also called: CILIARY DYSKINESIA, PRIMARY, 33, WITHOUT SITUS INVERSUS. Identifiers: Orphanet 244, MedGen C4225230, MONDO:0014750, OMIM 616726.

Allele frequency attached by ClinVar (database versions not stated): gnomAD 0.00001 and 0.00003; TOPMed 0.00003; gnomAD exomes 0.00004 and 0.00008; ExAC 0.00018.
gnomAD v4.1: 62 of 1,591,152 alleles (0.0039%); highest among the groups gnomAD compares: South Asian, 0.058%; no homozygotes.

Submissions (3):

Blueprint Genetics
Classification: Uncertain significance. Last evaluated: 2024-10-18. Review status: criteria provided, single submitter. Criteria: ACMG Guidelines, 2015. Collection method: clinical testing. Allele origin: germline.

Labcorp Genetics (formerly Invitae), Labcorp
Classification: Uncertain significance for Primary ciliary dyskinesia 33. Last evaluated: 2023-04-12. Review status: criteria provided, single submitter. Criteria: Invitae Variant Classification Sherloc (09022015). Collection method: clinical testing. Allele origin: germline.
Comment: This sequence change replaces asparagine, which is neutral and polar, with aspartic acid, which is acidic and polar, at codon 244 of the GAS8 protein (p.Asn244Asp). This variant is present in population databases (rs745989300, gnomAD 0.06%). This variant has not been reported in the literature in individuals affected with GAS8-related conditions. ClinVar contains an entry for this variant (Variation ID: 642378). Advanced modeling of protein sequence and biophysical properties (such as structural, functional, and spatial information, amino acid conservation, physicochemical variation, residue mobility, and thermodynamic stability) performed at Invitae indicates that this missense variant is not expected to disrupt GAS8 protein function. In summary, the available evidence is currently insufficient to determine the role of this variant in disease. Therefore, it has been classified as a Variant of Uncertain Significance.

Fulgent Genetics
Classification: Uncertain significance for Primary ciliary dyskinesia 33. Last evaluated: 2022-03-17. Review status: criteria provided, single submitter. Criteria: ACMG Guidelines, 2015. Collection method: clinical testing. Allele origin: unknown.

NM_001481.3(DRC4):c.730A>G (p.Asn244Asp)

Gene: DRC4 (dynein regulatory complex subunit 4; plus strand). Cytogenetic location: 16q24.3.
Variant type: single nucleotide variant.
Coding change: c.730A>G on transcript NM_001481.3 (MANE Select); coding-DNA position 730, A replaced by G.
Protein change: p.Asn244Asp; replaces asparagine 244 with aspartic acid.
Molecular consequence: missense variant.
Genome position (GRCh38, 1-based): chr16:90,036,560, A>G. VCF-style: chr16-90036560-A-G. GRCh37 (hg19) VCF-style: chr16-90102968-A-G.
Other names: c.481A>G, p.Asn161Asp (NM_001286205.2); c.154A>G, p.Asn52Asp (NM_001286208.2); c.655A>G, p.Asn219Asp (NM_001286209.2); short protein forms N244D, N219D, N52D, N161D.
Identifiers: ClinVar variation 642378 (VCV000642378.10), dbSNP rs745989300, ClinGen allele CA8257933.